The following is an entry in ClinVar:

NM_001042492.3(NF1):c.3950T>C (p.Val1317Ala)

Gene: NF1 (neurofibromin 1; plus strand). Cytogenetic location: 17q11.2.
Variant type: single nucleotide variant.
Coding change: c.3950T>C on transcript NM_001042492.3 (MANE Select); coding-DNA position 3950, T replaced by C.
Protein change: p.Val1317Ala; replaces valine 1317 with alanine.
Molecular consequence: missense variant.
Genome position (GRCh38, 1-based): chr17:31,235,997, T>C. VCF-style: chr17-31235997-T-C. GRCh37 (hg19) VCF-style: chr17-29563015-T-C.
Other names: c.3950T>C, p.Val1317Ala (NM_000267.4); short protein forms V1317A.
Identifiers: ClinVar variation 2975221 (VCV002975221.3), dbSNP rs1349575030, ClinGen allele CA398993266.
Genomic context (GRCh38, chr17:31,235,997, plus strand): 5'-TACAAAAACTCCTGGATCCTTTATTACGAATTGTGATCACATCCTCTGATTGGCAACATG[T>C]TAGCTTTGAAGTGGATCCTACCAGGTTTGTCATCTTTTCACATAGAACCGCTGTTTTTTG-3'
Protein context (NP_001035957.1, residues 1307-1327): IVITSSDWQH[Val1317Ala]SFEVDPTRLE

ClinVar aggregate classification (germline): Uncertain significance (1 of 4 stars; one submission).

Conditions:
Neurofibromatosis, type 1 (NF1). Also called: Peripheral type neurofibromatosis; NEUROFIBROMATOSIS, TYPE I, SOMATIC; Neurofibromatosis, type I; VON RECKLINGHAUSEN DISEASE. Identifiers: Orphanet 636, MedGen C0027831, MONDO:0018975, OMIM 162200. Disease mechanism: loss of function.

gnomAD v4.1: 1 of 1,614,052 alleles (0.000062%); highest among the groups gnomAD compares: South Asian, 0.0011%; no homozygotes.

Submission:

Labcorp Genetics (formerly Invitae), Labcorp
Classification: Uncertain significance for Neurofibromatosis, type 1. Last evaluated: 2022-12-08. Review status: criteria provided, single submitter. Criteria: Invitae Variant Classification Sherloc (09022015). Collection method: clinical testing. Allele origin: germline.
Comment: In summary, the available evidence is currently insufficient to determine the role of this variant in disease. Therefore, it has been classified as a Variant of Uncertain Significance. Advanced modeling of protein sequence and biophysical properties (such as structural, functional, and spatial information, amino acid conservation, physicochemical variation, residue mobility, and thermodynamic stability) performed at Invitae indicates that this missense variant is not expected to disrupt NF1 protein function. This missense change has been observed in individual(s) with neurofibromatosis type 1 (PMID: 16138229). This variant is present in population databases (no rsID available, gnomAD 0.003%). This sequence change replaces valine, which is neutral and non-polar, with alanine, which is neutral and non-polar, at codon 1317 of the NF1 protein (p.Val1317Ala).

Literature cited by the submitters: PubMed 16138229.